The following is an entry in ClinVar:

ClinVar aggregate classification (germline): Uncertain significance (1 of 4 stars; one submission).

Allele frequency attached by ClinVar (database versions not stated): gnomAD 0.00001; gnomAD exomes 0.00001.
gnomAD v4.1: 14 of 1,613,844 alleles (0.00087%); highest among the groups gnomAD compares: Non-Finnish European, 0.0012%; no homozygotes.

Submission:

Labcorp Genetics (formerly Invitae), Labcorp
Classification: Uncertain significance. Last evaluated: 2022-10-24. Review status: criteria provided, single submitter. Criteria: Invitae Variant Classification Sherloc (09022015). Collection method: clinical testing. Allele origin: germline.
Comment: This sequence change replaces glutamine, which is neutral and polar, with arginine, which is basic and polar, at codon 926 of the ABCC6 protein (p.Gln926Arg). This variant is present in population databases (no rsID available, gnomAD 0.0009%). This variant has not been reported in the literature in individuals affected with ABCC6-related conditions. Advanced modeling of protein sequence and biophysical properties (such as structural, functional, and spatial information, amino acid conservation, physicochemical variation, residue mobility, and thermodynamic stability) performed at Invitae indicates that this missense variant is not expected to disrupt ABCC6 protein function. In summary, the available evidence is currently insufficient to determine the role of this variant in disease. Therefore, it has been classified as a Variant of Uncertain Significance.

NM_001171.6(ABCC6):c.2777A>G (p.Gln926Arg)

Gene: ABCC6 (ATP binding cassette subfamily C member 6; minus strand). Cytogenetic location: 16p13.11.
Variant type: single nucleotide variant.
Coding change: c.2777A>G on transcript NM_001171.6 (MANE Select); coding-DNA position 2777, A replaced by G.
Protein change: p.Gln926Arg; replaces glutamine 926 with arginine.
Molecular consequence: missense variant. On other transcripts: non-coding transcript variant (1).
Genome position (GRCh38, 1-based): chr16:16,173,294, T>C on the plus strand (A>G on the coding strand, the complement: ABCC6 is on the minus strand). VCF-style: chr16-16173294-T-C. GRCh37 (hg19) VCF-style: chr16-16267151-T-C.
Other names: c.2435A>G, p.Gln812Arg (NM_001351800.1); short protein forms Q926R, Q812R.
Identifiers: ClinVar variation 1951347 (VCV001951347.2), dbSNP rs1308502353, ClinGen allele CA394885519.